The following is an entry in ClinVar:

NM_173660.5(DOK7):c.364A>T (p.Thr122Ser)

Gene: DOK7 (docking protein 7; plus strand). Cytogenetic location: 4p16.3.
Variant type: single nucleotide variant.
Coding change: c.364A>T on transcript NM_173660.5 (MANE Select); coding-DNA position 364, A replaced by T.
Protein change: p.Thr122Ser; replaces threonine 122 with serine.
Molecular consequence: missense variant. On other transcripts: intron variant (1).
Genome position (GRCh38, 1-based): chr4:3,476,374, A>T. VCF-style: chr4-3476374-A-T. GRCh37 (hg19) VCF-style: chr4-3478101-A-T.
Other names: c.364A>T, p.Thr122Ser (NM_001164673.2, NM_001301071.2); c.101-9165A>T (NM_001363811.2); short protein forms T122S.
Identifiers: ClinVar variation 2053613 (VCV002053613.1), dbSNP rs759813760, ClinGen allele CA2828981.

ClinVar aggregate classification (germline): Uncertain significance (1 of 4 stars; one submission).

Conditions:
Congenital myasthenic syndrome 10. Also called: Myasthenia, limb-girdle, familial. Identifiers: Orphanet 590, MedGen C1850792, MONDO:0009690, OMIM 254300.
Fetal akinesia deformation sequence 1 (FADS1). Also called: Fetal akinesia sequence; Pena-Shokeir syndrome type I. Identifiers: Orphanet 994, MedGen C1276035, MONDO:0100101, OMIM 208150, HP:0001989.

Allele frequency attached by ClinVar (database versions not stated): gnomAD exomes 0.00001; ExAC 0.00003.
gnomAD v4.1: 3 of 1,610,796 alleles (0.00019%); highest among the groups gnomAD compares: South Asian, 0.0033%; no homozygotes.

Submission:

Labcorp Genetics (formerly Invitae), Labcorp
Classification: Uncertain significance for Congenital myasthenic syndrome 10; Fetal akinesia deformation sequence 1. Last evaluated: 2022-07-19. Review status: criteria provided, single submitter. Criteria: Invitae Variant Classification Sherloc (09022015). Collection method: clinical testing. Allele origin: germline.
Comment: This sequence change replaces threonine, which is neutral and polar, with serine, which is neutral and polar, at codon 122 of the DOK7 protein (p.Thr122Ser). This variant is present in population databases (rs759813760, gnomAD 0.01%). This variant has not been reported in the literature in individuals affected with DOK7-related conditions. Algorithms developed to predict the effect of missense changes on protein structure and function (SIFT, PolyPhen-2, Align-GVGD) all suggest that this variant is likely to be disruptive. In summary, the available evidence is currently insufficient to determine the role of this variant in disease. Therefore, it has been classified as a Variant of Uncertain Significance.